The following is an entry in ClinVar:

ClinVar aggregate classification (germline): Pathogenic (1 of 4 stars; one submission).

Conditions:
Intellectual developmental disorder, autosomal dominant 6, with or without seizures. Also called: Intellectual disability, autosomal dominant 6; GRIN2B-related developmental delay, intellectual disability and autism spectrum disorder. Identifiers: Orphanet 589547, MedGen C3151411, MONDO:0013509, OMIM 613970.
Developmental and epileptic encephalopathy, 27 (DEE27). Also called: GRIN2B-Related Neurodevelopmental Disorder; Epileptic encephalopathy, early infantile, 27. Identifiers: Orphanet 3451, MedGen C4015316, MONDO:0014505, OMIM 616139.

Submission:

Labcorp Genetics (formerly Invitae), Labcorp
Classification: Pathogenic for Developmental and epileptic encephalopathy, 27; Intellectual developmental disorder, autosomal dominant 6, with or without seizures. Last evaluated: 2019-08-20. Review status: criteria provided, single submitter. Criteria: Invitae Variant Classification Sherloc (09022015). Collection method: clinical testing. Allele origin: germline.
Comment: For these reasons, this variant has been classified as Pathogenic. Loss-of-function variants in GRIN2B are known to be pathogenic (PMID: 28377535). Isolated whole-gene deletions of GRIN2B have not been reported in the literature. However, larger copy number events that include this gene have been reported (PMID: 23918416, 27656287, 28503605). A gross deletion of the genomic region encompassing the full coding sequence of the GRIN2B gene has been identified. The boundaries of this event are unknown as the deletion extends beyond the assayed region for this gene and therefore may encompass additional genes.

Literature cited by the submitters: PubMed 28377535; PubMed 23918416; PubMed 27656287; PubMed 28503605.

NC_000012.12:g.(?_12717002)_(13982130_?)del

Genes: APOLD1 (apolipoprotein L domain containing 1; plus strand), CDKN1B (cyclin dependent kinase inhibitor 1B; plus strand), DDX47 (DEAD-box helicase 47; plus strand), EMP1 (epithelial membrane protein 1; plus strand), FAM234B (family with sequence similarity 234 member B; plus strand) and 5 more. Cytogenetic location: 12p13.1.
Variant type: Deletion.
Identifiers: ClinVar variation 831584 (VCV000831584.5).